The following is an entry in ClinVar:

NM_020297.4(ABCC9):c.3556C>T (p.Arg1186Trp)

Gene: ABCC9 (ATP binding cassette subfamily C member 9; minus strand). Cytogenetic location: 12p12.1.
Variant type: single nucleotide variant.
Coding change: c.3556C>T on transcript NM_020297.4 (MANE Select); coding-DNA position 3556, C replaced by T.
Protein change: p.Arg1186Trp; replaces arginine 1186 with tryptophan.
Molecular consequence: missense variant.
Genome position (GRCh38, 1-based): chr12:21,838,088, G>A on the plus strand (C>T on the coding strand, the complement: ABCC9 is on the minus strand). VCF-style: chr12-21838088-G-A. GRCh37 (hg19) VCF-style: chr12-21991022-G-A.
Other names: c.3556C>T, p.Arg1186Trp (NM_001377273.1, NM_005691.4); c.2689C>T, p.Arg897Trp (NM_001377274.1); short protein forms R1186W, R897W.
Identifiers: ClinVar variation 308034 (VCV000308034.8), dbSNP rs886049169, ClinGen allele CA10637045.

ClinVar aggregate classification (germline): Uncertain significance. Review status: criteria provided, multiple submitters, no conflicts (2 of 4 stars). 3 submissions from 2 submitters: Uncertain significance (3). Last evaluated 2025-11-05.

Conditions:
Hypertrichotic osteochondrodysplasia Cantu type. Also called: Cantu Syndrome; Cantú Syndrome. Identifiers: Orphanet 1517, MedGen C0795905, MONDO:0009406, OMIM 239850.
Dilated cardiomyopathy 1O (CMD1O). Also called: CARDIOMYOPATHY, DILATED, WITH VENTRICULAR TACHYCARDIA. Identifiers: Orphanet 154, MedGen C1837839, MONDO:0012062, OMIM 608569.

Allele frequency attached by ClinVar (database versions not stated): gnomAD 0.00001.
gnomAD v4.1: 8 of 1,613,556 alleles (0.0005%); highest among the groups gnomAD compares: East Asian, 0.0022%; no homozygotes.

Submissions (3):

Labcorp Genetics (formerly Invitae), Labcorp
Classification: Uncertain significance for Dilated cardiomyopathy 1O. Last evaluated: 2025-11-05. Review status: criteria provided, single submitter. Criteria: Invitae Variant Classification Sherloc (09022015). Collection method: clinical testing. Allele origin: germline.
Comment: This sequence change replaces arginine, which is basic and polar, with tryptophan, which is neutral and slightly polar, at codon 1186 of the ABCC9 protein (p.Arg1186Trp). This variant is not present in population databases (gnomAD no frequency). This variant has not been reported in the literature in individuals affected with ABCC9-related conditions. ClinVar contains an entry for this variant (Variation ID: 308034). Invitae Evidence Modeling of protein sequence and biophysical properties (such as structural, functional, and spatial information, amino acid conservation, physicochemical variation, residue mobility, and thermodynamic stability) indicates that this missense variant is expected to disrupt ABCC9 protein function with a positive predictive value of 95%. In summary, the available evidence is currently insufficient to determine the role of this variant in disease. Therefore, it has been classified as a Variant of Uncertain Significance.

Illumina Laboratory Services, Illumina
Classification: Uncertain significance for Hypertrichotic osteochondrodysplasia Cantu type. Last evaluated: 2018-01-12. Review status: criteria provided, single submitter. Criteria: ICSL Variant Classification Criteria 13 December 2019. Collection method: clinical testing. Allele origin: germline.

Illumina Laboratory Services, Illumina
Classification: Uncertain significance for Dilated cardiomyopathy 1O. Last evaluated: 2018-01-12. Review status: criteria provided, single submitter. Criteria: ICSL Variant Classification Criteria 13 December 2019. Collection method: clinical testing. Allele origin: germline.